The following is an entry in ClinVar:

NM_198253.3(TERT):c.569C>T (p.Ala190Val)

Gene: TERT (telomerase reverse transcriptase; minus strand). Cytogenetic location: 5p15.33.
Variant type: single nucleotide variant.
Coding change: c.569C>T on transcript NM_198253.3 (MANE Select); coding-DNA position 569, C replaced by T.
Protein change: p.Ala190Val; replaces alanine 190 with valine.
Molecular consequence: missense variant. On other transcripts: non-coding transcript variant (2).
Genome position (GRCh38, 1-based): chr5:1,294,317, G>A on the plus strand (C>T on the coding strand, the complement: TERT is on the minus strand). VCF-style: chr5-1294317-G-A. GRCh37 (hg19) VCF-style: chr5-1294432-G-A.
Other names: c.569C>T, p.Ala190Val (NM_001193376.3); short protein forms A190V.
Identifiers: ClinVar variation 539219 (VCV000539219.13), dbSNP rs781435225, ClinGen allele CA3184954.

ClinVar aggregate classification (germline): Conflicting classifications of pathogenicity. Review status: criteria provided, conflicting classifications (1 of 4 stars). 5 submissions from 5 submitters: Uncertain significance (4); Likely benign (1). Last evaluated 2026-01-26.

Conditions:
Dyskeratosis congenita, autosomal dominant 2. Identifiers: MedGen C3151443, MONDO:0013521, OMIM 613989.
Idiopathic Pulmonary Fibrosis. Also called: Idiopathic fibrosing alveolitis, chronic form; idiopathic fibrosing alveolitis. Identifiers: Orphanet 2032, MedGen C1800706, MeSH D054990, MONDO:0800504.
Dyskeratosis congenita. Identifiers: Orphanet 1775, MedGen C0265965, MONDO:0015780.

Allele frequency attached by ClinVar (database versions not stated): gnomAD exomes below 0.00001; ExAC 0.00002; gnomAD 0.00007 and 0.00008; TOPMed 0.00013.
gnomAD v4.1: 29 of 1,590,318 alleles (0.0018%); highest among the groups gnomAD compares: African/African-American, 0.024%; no homozygotes.

Submissions (5):

Labcorp Genetics (formerly Invitae), Labcorp
Classification: Likely benign for Dyskeratosis congenita, autosomal dominant 2; Idiopathic Pulmonary Fibrosis. Last evaluated: 2026-01-26. Review status: criteria provided, single submitter. Criteria: Invitae Variant Classification Sherloc (09022015). Collection method: clinical testing. Allele origin: germline.

Ambry Genetics
Classification: Uncertain significance for Dyskeratosis congenita. Last evaluated: 2025-04-10. Review status: criteria provided, single submitter. Criteria: Ambry Variant Classification Scheme 2023. Collection method: clinical testing. Allele origin: germline.
Comment: The p.A190V variant (also known as c.569C>T), located in coding exon 2 of the TERT gene, results from a C to T substitution at nucleotide position 569. The alanine at codon 190 is replaced by valine, an amino acid with similar properties. This amino acid position is not well conserved in available vertebrate species. In addition, this alteration is predicted to be tolerated by in silico analysis. Based on the available evidence, the clinical significance of this variant remains unclear.

GeneDx
Classification: Uncertain significance. Last evaluated: 2023-11-07. Review status: criteria provided, single submitter. Criteria: GeneDx Variant Classification Process June 2021. Collection method: clinical testing. Allele origin: germline. Affected: yes.
Comment: In silico analysis supports that this missense variant does not alter protein structure/function; Observed in a cohort of individuals with germline heterozygous variants in TERT, TERC, PARN, or RTEL1 but additional information regarding the phenotype of this individual is not available (PMID: 28192371); This variant is associated with the following publications: (PMID: 28192371)

St. Jude Molecular Pathology, St. Jude Children's Research Hospital
Classification: Uncertain significance for Dyskeratosis congenita, autosomal dominant 2. Last evaluated: 2023-04-27. Review status: criteria provided, single submitter. Criteria: St. Jude Assertion Criteria 2020. Collection method: clinical testing. Allele origin: germline.
Comment: The TERT c.569C>T (p.Ala190Val) missense change has a maximum subpopulation frequency of 0.015% in gnomAD v2.1.1. The in silico tool REVEL predicts a benign effect on protein function, but this prediction has not been confirmed by functional studies. This variant occurs in a gene where missense variants are more likely to be damaging based on methods described by Lek et al. (PMID: 27535533). This variant has not been reported in individuals with clinical features of dyskeratosis congenita. In summary, the evidence currently available is insufficient to determine the clinical significance of this variant. It has therefore been classified as of uncertain significance.

Baylor Genetics
Classification: Uncertain significance for Dyskeratosis congenita, autosomal dominant 2. Last evaluated: 2018-08-21. Review status: criteria provided, single submitter. Criteria: ACMG Guidelines, 2015. Collection method: clinical testing. Allele origin: maternal. Affected: yes.
Comment: This variant was determined to be of uncertain significance according to ACMG Guidelines, 2015 [PMID:25741868]. This variant has been previously reported in literature, however detailed clinical information was not provided [PMID 28192371]

Literature cited by the submitters: PubMed 28192371 (cited by Baylor Genetics).